The following is an entry in ClinVar:

NM_016148.5(SHANK1):c.4535C>T (p.Ser1512Leu)

Gene: SHANK1 (SH3 and multiple ankyrin repeat domains 1; minus strand). Cytogenetic location: 19q13.33.
Variant type: single nucleotide variant.
Coding change: c.4535C>T on transcript NM_016148.5 (MANE Select); coding-DNA position 4535, C replaced by T.
Protein change: p.Ser1512Leu; replaces serine 1512 with leucine.
Molecular consequence: missense variant.
Genome position (GRCh38, 1-based): chr19:50,667,425, G>A on the plus strand (C>T on the coding strand, the complement: SHANK1 is on the minus strand). VCF-style: chr19-50667425-G-A. GRCh37 (hg19) VCF-style: chr19-51170682-G-A.
Other names: short protein forms S1512L.
Identifiers: ClinVar variation 2815169 (VCV002815169.3), dbSNP rs555805975, ClinGen allele CA9601159.

ClinVar aggregate classification (germline): Uncertain significance (1 of 4 stars; one submission).

Allele frequency attached by ClinVar (database versions not stated): ExAC 0.00005; 1000 Genomes Project 30x 0.00016; 1000 Genomes Project 0.00020.
gnomAD v4.1: 12 of 1,522,604 alleles (0.00079%); highest among the groups gnomAD compares: African/African-American, 0.011%; no homozygotes.

Submission:

Labcorp Genetics (formerly Invitae), Labcorp
Classification: Uncertain significance. Last evaluated: 2022-12-03. Review status: criteria provided, single submitter. Criteria: Invitae Variant Classification Sherloc (09022015). Collection method: clinical testing. Allele origin: germline.
Comment: In summary, the available evidence is currently insufficient to determine the role of this variant in disease. Therefore, it has been classified as a Variant of Uncertain Significance. The frequency data for this variant in the population databases is considered unreliable, as metrics indicate poor data quality at this position in the gnomAD database. This variant has not been reported in the literature in individuals affected with SHANK1-related conditions. This sequence change replaces serine, which is neutral and polar, with leucine, which is neutral and non-polar, at codon 1512 of the SHANK1 protein (p.Ser1512Leu). Experimental studies and prediction algorithms are not available or were not evaluated, and the functional significance of this variant is currently unknown.